The following is an entry in ClinVar:

ClinVar aggregate classification (germline): Uncertain significance (1 of 4 stars; one submission).

Submission:

GeneDx
Classification: Uncertain significance. Last evaluated: 2022-06-22. Review status: criteria provided, single submitter. Criteria: GeneDx Variant Classification Process June 2021. Collection method: clinical testing. Allele origin: germline. Affected: yes.
Comment: Not observed at significant frequency in large population cohorts (gnomAD); In-frame deletion of 1 amino acid in a non-repeat region; In silico analysis supports a deleterious effect on protein structure/function; Has not been previously published as pathogenic or benign to our knowledge

NM_013275.6(ANKRD11):c.256AAG[1] (p.Lys87del)

Gene: ANKRD11 (ankyrin repeat domain containing 11; minus strand). Cytogenetic location: 16q24.3.
Variant type: Microsatellite.
Coding change: c.256AAG[1] on transcript NM_013275.6 (MANE Select); one copy of the 3-base unit AAG starting at c.256; the reference has two copies in a row; one copy, 3 bases deleted.
Protein change: p.Lys87del; deletes lysine 87.
Molecular consequence: inframe deletion. On other transcripts: non-coding transcript variant (1).
Genome position (GRCh38, 1-based): chr16:89,291,149-89,291,151, CTT deleted on the plus strand (AAG on the coding strand, the reverse complement: ANKRD11 is on the minus strand); deleting any 3 consecutive bases within chr16:89,291,149-89,291,154 gives the same sequence; the position shown is the placement nearest the transcript's 3' end. VCF-style (leftmost placement, unchanged base first): chr16-89291148-CCTT-C. GRCh37 (hg19) VCF-style: chr16-89357556-CCTT-C.
Other names: c.256AAG[1], p.Lys87del (NM_001256182.2, NM_001256183.2); short protein forms K87del.
Identifiers: ClinVar variation 1806679 (VCV001806679.1), dbSNP rs2544309702, ClinGen allele CA2580613932.